The following is an entry in ClinVar:

ClinVar aggregate classification (germline): Likely benign. Review status: criteria provided, multiple submitters, no conflicts (2 of 4 stars). 5 submissions from 5 submitters: Likely benign (5). Last evaluated 2025-11-21.

Conditions:
TTN-related disorder. Also called: TTN-related condition; TTN-related disease; TTN-related disorders.
Autosomal recessive limb-girdle muscular dystrophy type 2J (LGMDR10). Also called: Limb-girdle muscular dystrophy, type 2J; MUSCULAR DYSTROPHY, LIMB-GIRDLE, AUTOSOMAL RECESSIVE 10. Identifiers: Orphanet 140922, MedGen C1837342, MONDO:0012127, OMIM 608807.
Dilated cardiomyopathy 1G (CMD1G). Identifiers: Orphanet 154, MedGen C1858763, MONDO:0011400, OMIM 604145.
Cardiovascular phenotype. Identifiers: MedGen CN230736.

Allele frequency attached by ClinVar (database versions not stated): gnomAD exomes 0.00005 and 0.00002; gnomAD 0.00006 and 0.00004; ExAC 0.00007; TOPMed 0.00008; 1000 Genomes Project 30x 0.00016; 1000 Genomes Project 0.00020.
gnomAD v4.1: 47 of 1,613,780 alleles (0.0029%); highest among the groups gnomAD compares: South Asian, 0.029%; 1 homozygote.

Submissions (5):

Labcorp Genetics (formerly Invitae), Labcorp
Classification: Likely benign for Dilated cardiomyopathy 1G; Autosomal recessive limb-girdle muscular dystrophy type 2J. Last evaluated: 2025-11-21. Review status: criteria provided, single submitter. Criteria: Invitae Variant Classification Sherloc (09022015). Collection method: clinical testing. Allele origin: germline.

PreventionGenetics, part of Exact Sciences
Classification: Likely benign for TTN-related condition. Last evaluated: 2025-05-21. Review status: criteria provided, single submitter. Criteria: ACMG Guidelines, 2015. Collection method: clinical testing. Allele origin: germline.
Comment: This variant is classified as likely benign based on ACMG/AMP sequence variant interpretation guidelines (Richards et al. 2015 PMID: 25741868, with internal and published modifications).

Blueprint Genetics
Classification: Likely benign. Last evaluated: 2024-02-12. Review status: criteria provided, single submitter. Criteria: ACMG Guidelines, 2015. Collection method: clinical testing. Allele origin: germline.

GeneDx
Classification: Likely benign. Last evaluated: 2021-04-08. Review status: criteria provided, single submitter. Criteria: GeneDx Variant Classification Process June 2021. Collection method: clinical testing. Allele origin: germline. Affected: yes.

Ambry Genetics
Classification: Likely benign for Cardiovascular phenotype. Last evaluated: 2020-02-05. Review status: criteria provided, single submitter. Criteria: Ambry Variant Classification Scheme 2023. Collection method: clinical testing. Allele origin: germline.

NM_001267550.2(TTN):c.8844G>A (p.Ser2948=)

Gene: TTN (titin; minus strand). Cytogenetic location: 2q31.2.
Variant type: single nucleotide variant.
Coding change: c.8844G>A on transcript NM_001267550.2 (MANE Select); coding-DNA position 8844, G replaced by A.
Protein change: p.Ser2948=; no amino-acid change (serine 2948 retained).
Molecular consequence: synonymous variant.
Genome position (GRCh38, 1-based): chr2:178,769,737, C>T on the plus strand (G>A on the coding strand, the complement: TTN is on the minus strand). VCF-style: chr2-178769737-C-T. GRCh37 (hg19) VCF-style: chr2-179634464-C-T.
Other names: c.8844G>A, p.Ser2948= (NM_001256850.1, NM_133378.4, NM_133379.5); c.8706G>A, p.Ser2902= (NM_003319.4, NM_133432.3, NM_133437.4).
Identifiers: ClinVar variation 506485 (VCV000506485.17), dbSNP rs531976829, ClinGen allele CA2004531.